The following is an entry in ClinVar:

NM_001382391.1(CSPP1):c.-68G>A

Gene: CSPP1 (centrosome and spindle pole associated protein 1; plus strand). Cytogenetic location: 8q13.1.
Variant type: single nucleotide variant.
Coding change: c.-68G>A on transcript NM_001382391.1 (MANE Select); 68 bases upstream of the start codon, G replaced by A.
Molecular consequence: 5 prime UTR variant. On other transcripts: missense variant (3).
Genome position (GRCh38, 1-based): chr8:67,064,481, G>A. VCF-style: chr8-67064481-G-A. GRCh37 (hg19) VCF-style: chr8-67976716-G-A.
Other names: c.-68G>A (NM_001363131.2, NM_001363132.2, NM_001363133.2); c.83G>A, p.Arg28Gln (NM_001364869.1, NM_001364870.1, NM_024790.7); short protein forms R28Q.
Identifiers: ClinVar variation 1474776 (VCV001474776.6), dbSNP rs2129538437, ClinGen allele CA371208734.
Genomic context (GRCh38, chr8:67,064,481, plus strand): 5'-CCGCTGTAACCTCTTCGGTCCGCGACGATCCTCTAGAGCACTGTGTGTCTCCCCGGACGC[G>A]AGCCCGCTCCCCTGAGTAAGAGTCAGCCAGCCGCGGATGGGGAGCGTGAGTGGCGAGGTG-3'

ClinVar aggregate classification (germline): Uncertain significance (1 of 4 stars; one submission).

Conditions:
Joubert syndrome 21 (JBTS21). Identifiers: MedGen C3810212, MONDO:0014288, OMIM 615636.

Allele frequency attached by ClinVar (database versions not stated): gnomAD exomes below 0.00001.
gnomAD v4.1: 4 of 1,613,924 alleles (0.00025%); highest among the groups gnomAD compares: South Asian, 0.0011%; 1 homozygote.

Submission:

Labcorp Genetics (formerly Invitae), Labcorp
Classification: Uncertain significance for Joubert syndrome 21. Last evaluated: 2021-10-27. Review status: criteria provided, single submitter. Criteria: Invitae Variant Classification Sherloc (09022015). Collection method: clinical testing. Allele origin: germline.
Comment: This sequence change replaces arginine, which is basic and polar, with glutamine, which is neutral and polar, at codon 28 of the CSPP1 protein (p.Arg28Gln). This variant is not present in population databases (gnomAD no frequency). This variant has not been reported in the literature in individuals affected with CSPP1-related conditions. Algorithms developed to predict the effect of missense changes on protein structure and function output the following: SIFT: "Deleterious"; PolyPhen-2: "Benign"; Align-GVGD: "Class C0". The glutamine amino acid residue is found in multiple mammalian species, which suggests that this missense change does not adversely affect protein function. In summary, the available evidence is currently insufficient to determine the role of this variant in disease. Therefore, it has been classified as a Variant of Uncertain Significance.